The following is an entry in ClinVar:

ClinVar aggregate classification (germline): Uncertain significance. Review status: criteria provided, multiple submitters, no conflicts (2 of 4 stars). 2 submissions from 2 submitters: Uncertain significance (2). Last evaluated 2024-05-06.

Conditions:
Multiple congenital anomalies-hypotonia-seizures syndrome 1 (MCAHS1). Also called: PIGN-CDG; Congenital disorder of glycosylation due to PIGN deficiency; GLYCOSYLPHOSPHATIDYLINOSITOL BIOSYNTHESIS DEFECT 3. Identifiers: Orphanet 280633, MedGen C3279775, MONDO:0013563, OMIM 614080.

Allele frequency attached by ClinVar (database versions not stated): TOPMed below 0.00001; gnomAD exomes 0.00002 and 0.00004; ExAC 0.00003; ESP Exome Variant Server 0.00008.
gnomAD v4.1: 49 of 1,602,538 alleles (0.0031%); highest among the groups gnomAD compares: Non-Finnish European, 0.0042%; no homozygotes.

Submissions (2):

GeneDx
Classification: Uncertain significance. Last evaluated: 2024-05-06. Review status: criteria provided, single submitter. Criteria: GeneDx Variant Classification Process June 2021. Collection method: clinical testing. Allele origin: germline. Affected: yes.
Comment: Not observed at significant frequency in large population cohorts (gnomAD); In silico analysis supports that this missense variant has a deleterious effect on protein structure/function; Has not been previously published as pathogenic or benign to our knowledge; In silico analysis is inconclusive as to whether the variant alters gene splicing. In the absence of RNA/functional studies, the actual effect of this sequence change is unknown.

Labcorp Genetics (formerly Invitae), Labcorp
Classification: Uncertain significance for Multiple congenital anomalies-hypotonia-seizures syndrome 1. Last evaluated: 2022-07-18. Review status: criteria provided, single submitter. Criteria: Invitae Variant Classification Sherloc (09022015). Collection method: clinical testing. Allele origin: germline.
Comment: This sequence change replaces leucine, which is neutral and non-polar, with phenylalanine, which is neutral and non-polar, at codon 723 of the PIGN protein (p.Leu723Phe). This variant is present in population databases (rs374945919, gnomAD 0.007%). This variant has not been reported in the literature in individuals affected with PIGN-related conditions. ClinVar contains an entry for this variant (Variation ID: 856238). Algorithms developed to predict the effect of missense changes on protein structure and function are either unavailable or do not agree on the potential impact of this missense change (SIFT: "Tolerated"; PolyPhen-2: "Probably Damaging"; Align-GVGD: "Class C0"). Algorithms developed to predict the effect of sequence changes on RNA splicing suggest that this variant may disrupt the consensus splice site. In summary, the available evidence is currently insufficient to determine the role of this variant in disease. Therefore, it has been classified as a Variant of Uncertain Significance.

NM_176787.5(PIGN):c.2167C>T (p.Leu723Phe)

Gene: PIGN (phosphatidylinositol glycan anchor biosynthesis class N; minus strand). Cytogenetic location: 18q21.33.
Variant type: single nucleotide variant.
Coding change: c.2167C>T on transcript NM_176787.5 (MANE Select); coding-DNA position 2167, C replaced by T.
Protein change: p.Leu723Phe; replaces leucine 723 with phenylalanine.
Molecular consequence: missense variant.
Genome position (GRCh38, 1-based): chr18:62,095,861, G>A on the plus strand (C>T on the coding strand, the complement: PIGN is on the minus strand). VCF-style: chr18-62095861-G-A. GRCh37 (hg19) VCF-style: chr18-59763094-G-A.
Other names: c.2167C>T, p.Leu723Phe (NM_012327.6); short protein forms L723F.
Identifiers: ClinVar variation 856238 (VCV000856238.8), dbSNP rs374945919, ClinGen allele CA8982066.